The following is an entry in ClinVar:

ClinVar aggregate classification (germline): Uncertain significance. Review status: criteria provided, multiple submitters, no conflicts (2 of 4 stars). 2 submissions from 2 submitters: Uncertain significance (2). Last evaluated 2025-09-22.

Submissions (2):

Ambry Genetics
Classification: Uncertain significance. Last evaluated: 2025-09-22. Review status: criteria provided, single submitter. Criteria: Ambry Variant Classification Scheme 2023. Collection method: clinical testing. Allele origin: germline.

Labcorp Genetics (formerly Invitae), Labcorp
Classification: Uncertain significance. Last evaluated: 2025-04-21. Review status: criteria provided, single submitter. Criteria: Invitae Variant Classification Sherloc (09022015). Collection method: clinical testing. Allele origin: germline.
Comment: This sequence change replaces proline, which is neutral and non-polar, with leucine, which is neutral and non-polar, at codon 176 of the RELA protein (p.Pro176Leu). This variant is present in population databases (rs747469170, gnomAD 0.003%). This variant has not been reported in the literature in individuals affected with RELA-related conditions. An algorithm developed to predict the effect of missense changes on protein structure and function outputs the following: PolyPhen-2: "Benign". The leucine amino acid residue is found in multiple mammalian species, which suggests that this missense change does not adversely affect protein function. In summary, the available evidence is currently insufficient to determine the role of this variant in disease. Therefore, it has been classified as a Variant of Uncertain Significance.

NM_021975.4(RELA):c.527C>T (p.Pro176Leu)

Gene: RELA (RELA proto-oncogene, NF-kB subunit; minus strand). Cytogenetic location: 11q13.1.
Variant type: single nucleotide variant.
Coding change: c.527C>T on transcript NM_021975.4 (MANE Select); coding-DNA position 527, C replaced by T.
Protein change: p.Pro176Leu; replaces proline 176 with leucine.
Molecular consequence: missense variant.
Genome position (GRCh38, 1-based): chr11:65,659,698, G>A on the plus strand (C>T on the coding strand, the complement: RELA is on the minus strand). VCF-style: chr11-65659698-G-A. GRCh37 (hg19) VCF-style: chr11-65427169-G-A.
Other names: c.518C>T, p.Pro173Leu (NM_001145138.2); c.527C>T, p.Pro176Leu (NM_001243984.2, NM_001243985.2, NM_001404659.1 and 1 more transcripts); c.560C>T, p.Pro187Leu (NM_001404657.1); c.500C>T, p.Pro167Leu (NM_001404658.1); c.146C>T, p.Pro49Leu (NM_001404661.1); c.434C>T, p.Pro145Leu (NM_001404662.1, NM_001404663.1); short protein forms P145L, P176L, P173L, P49L, P167L, P187L.
Identifiers: ClinVar variation 4577025 (VCV004577025.2).